The following is an entry in ClinVar:

NM_020442.6(VARS2):c.2536G>A (p.Ala846Thr)

Gene: VARS2 (valyl-tRNA synthetase 2, mitochondrial; plus strand). Cytogenetic location: 6p21.33.
Variant type: single nucleotide variant.
Coding change: c.2536G>A on transcript NM_020442.6 (MANE Select); coding-DNA position 2536, G replaced by A.
Protein change: p.Ala846Thr; replaces alanine 846 with threonine.
Molecular consequence: missense variant.
Genome position (GRCh38, 1-based): chr6:30,924,423, G>A. VCF-style: chr6-30924423-G-A. GRCh37 (hg19) VCF-style: chr6-30892200-G-A.
Other names: c.2116G>A, p.Ala706Thr (NM_001167733.3); c.2626G>A, p.Ala876Thr (NM_001167734.2); c.2626G>A (NM_001167734.1); short protein forms A876T, A706T, A846T.
Identifiers: ClinVar variation 2084289 (VCV002084289.2), dbSNP rs761767299, ClinGen allele CA3706301.

ClinVar aggregate classification (germline): Uncertain significance. Review status: criteria provided, multiple submitters, no conflicts (2 of 4 stars). 2 submissions from 2 submitters: Uncertain significance (2). Last evaluated 2025-04-24.

Conditions:
Inborn genetic diseases. Identifiers: MedGen C0950123, MeSH D030342.

Allele frequency attached by ClinVar (database versions not stated): TOPMed 0.00001; gnomAD exomes 0.00002; ExAC 0.00001.
gnomAD v4.1: 12 of 1,612,828 alleles (0.00074%); highest among the groups gnomAD compares: Admixed American, 0.01%; no homozygotes.

Submissions (2):

Ambry Genetics
Classification: Uncertain significance for Inborn genetic diseases. Last evaluated: 2025-04-24. Review status: criteria provided, single submitter. Criteria: Ambry Variant Classification Scheme 2023. Collection method: clinical testing. Allele origin: germline.

Labcorp Genetics (formerly Invitae), Labcorp
Classification: Uncertain significance. Last evaluated: 2022-07-14. Review status: criteria provided, single submitter. Criteria: Invitae Variant Classification Sherloc (09022015). Collection method: clinical testing. Allele origin: germline.
Comment: This sequence change replaces alanine, which is neutral and non-polar, with threonine, which is neutral and polar, at codon 876 of the VARS2 protein (p.Ala876Thr). This variant is present in population databases (rs761767299, gnomAD 0.009%). This variant has not been reported in the literature in individuals affected with VARS2-related conditions. Algorithms developed to predict the effect of missense changes on protein structure and function are either unavailable or do not agree on the potential impact of this missense change (SIFT: "Deleterious"; PolyPhen-2: "Possibly Damaging"; Align-GVGD: "Class C0"). In summary, the available evidence is currently insufficient to determine the role of this variant in disease. Therefore, it has been classified as a Variant of Uncertain Significance.